The following is an entry in ClinVar:

NM_000038.6(APC):c.1095_1103delinsCA (p.Lys365fs)

Gene: APC (APC regulator of Wnt signaling pathway; plus strand). Cytogenetic location: 5q22.2.
Variant type: Indel.
Coding change: c.1095_1103delinsCA on transcript NM_000038.6 (MANE Select); coding-DNA positions 1095 to 1103, AGACTCTGT replaced by CA.
Protein change: p.Lys365fs; shifts the reading frame from lysine 365.
Molecular consequence: frameshift variant. On other transcripts: non-coding transcript variant (2), intron variant (15).
Genome position (GRCh38, 1-based): chr5:112,819,127-112,819,135, AGACTCTGT replaced by CA. VCF-style: chr5-112819127-AGACTCTGT-CA. GRCh37 (hg19) VCF-style: chr5-112154824-AGACTCTGT-CA.
Other names: c.1095_1103delinsCA, p.Lys365fs (NM_001127510.3, NM_001354895.2, NM_001354896.2 and 4 more transcripts); c.1041_1049delinsCA, p.Lys347fs (NM_001127511.3); c.1125_1133delinsCA, p.Lys375fs (NM_001354897.2, NM_001407446.1); c.1020_1028delinsCA, p.Lys340fs (NM_001354898.2, NM_001407451.1); c.1011_1019delinsCA, p.Lys337fs (NM_001354899.2, NM_001407452.1); c.918_926delinsCA, p.Lys306fs (NM_001354900.2, NM_001354901.2, NM_001407453.1); c.246_254delinsCA, p.Lys82fs (NM_001354906.2, NM_001407470.1); c.85-142_85-134delinsCA (NM_001407472.1, NM_001407471.1); and 5 more; short protein forms K306fs, K337fs, K340fs, K347fs, K365fs, K375fs, K82fs.
Identifiers: ClinVar variation 3379279 (VCV003379279.1).

ClinVar aggregate classification (germline): Pathogenic (1 of 4 stars; one submission).

Conditions:
Familial adenomatous polyposis 1 (FAP1). Also called: FAMILIAL ADENOMATOUS POLYPOSIS 1, ATTENUATED; POLYPOSIS, ADENOMATOUS INTESTINAL. Identifiers: MedGen C2713442, MONDO:0021056, OMIM 175100. Disease mechanism: loss of function.

Submission:

Myriad Genetics, Inc.
Classification: Pathogenic for Familial adenomatous polyposis 1. Last evaluated: 2024-09-10. Review status: criteria provided, single submitter. Criteria: Myriad Autosomal Dominant, Autosomal Recessive and X-Linked Classification Criteria (2023). Collection method: clinical testing. Allele origin: unknown.
Comment: This variant is considered pathogenic. This variant creates a frameshift predicted to result in premature protein truncation.